The following is an entry in ClinVar:

NM_001393769.1(MED12L):c.1906C>T (p.Arg636Trp)

Gene: MED12L (mediator complex subunit 12L; plus strand). Cytogenetic location: 3q25.1.
Variant type: single nucleotide variant.
Coding change: c.1906C>T on transcript NM_001393769.1 (MANE Select); coding-DNA position 1906, C replaced by T.
Protein change: p.Arg636Trp; replaces arginine 636 with tryptophan.
Molecular consequence: missense variant.
Genome position (GRCh38, 1-based): chr3:151,190,869, C>T. VCF-style: chr3-151190869-C-T. GRCh37 (hg19) VCF-style: chr3-150908656-C-T.
Other names: c.1906C>T, p.Arg636Trp (NM_053002.6); c.1906C>T (NM_053002.5); short protein forms R636W.
Identifiers: ClinVar variation 2412363 (VCV002412363.5), dbSNP rs199730852, ClinGen allele CA2666791.

ClinVar aggregate classification (germline): Likely benign. Review status: criteria provided, multiple submitters, no conflicts (2 of 4 stars). 3 submissions from 3 submitters: Likely benign (2). 1 of the submissions does not count toward it. Last evaluated 2025-02-16.

Conditions:
Inborn genetic diseases. Identifiers: MedGen C0950123, MeSH D030342.
MED12L-related disorder. Also called: MED12L-related condition.

Allele frequency attached by ClinVar (database versions not stated): gnomAD exomes 0.00009; ExAC 0.00010; TOPMed 0.00011; gnomAD 0.00013; 1000 Genomes Project 30x 0.00016; 1000 Genomes Project 0.00020.
gnomAD v4.1: 149 of 1,614,102 alleles (0.0092%); highest among the groups gnomAD compares: Non-Finnish European, 0.01%; no homozygotes.

Submissions (3):

Laboratory of Genetics, Children's Clinical University Hospital Latvia
Classification: Likely benign. Last evaluated: 2025-02-16. Review status: criteria provided, single submitter. Criteria: ACMG Guidelines, 2015. Collection method: clinical testing. Allele origin: germline. Affected: yes.

Ambry Genetics
Classification: Likely benign for Inborn genetic diseases. Last evaluated: 2022-12-28. Review status: criteria provided, single submitter. Criteria: Ambry Variant Classification Scheme 2023. Collection method: clinical testing. Allele origin: germline.

PreventionGenetics, part of Exact Sciences
Classification: Likely benign for MED12L-related condition. Last evaluated: 2023-04-24. Review status: no assertion criteria provided. Collection method: clinical testing. Allele origin: germline. Not counted in ClinVar's aggregate classification.
Comment: This variant is classified as likely benign based on ACMG/AMP sequence variant interpretation guidelines (Richards et al. 2015 PMID: 25741868, with internal and published modifications).